The following is an entry in ClinVar:

NM_030777.4(SLC2A10):c.1478T>G (p.Ile493Ser)

Gene: SLC2A10 (solute carrier family 2 member 10; plus strand). Cytogenetic location: 20q13.12.
Variant type: single nucleotide variant.
Coding change: c.1478T>G on transcript NM_030777.4 (MANE Select); coding-DNA position 1478, T replaced by G.
Protein change: p.Ile493Ser; replaces isoleucine 493 with serine.
Molecular consequence: missense variant.
Genome position (GRCh38, 1-based): chr20:46,729,419, T>G. VCF-style: chr20-46729419-T-G. GRCh37 (hg19) VCF-style: chr20-45358058-T-G.
Other names: short protein forms I493S.
Identifiers: ClinVar variation 3605968 (VCV003605968.2).

ClinVar aggregate classification (germline): Uncertain significance (1 of 4 stars; one submission).

Conditions:
Arterial tortuosity syndrome (ATORS). Identifiers: Orphanet 3342, MedGen C1859726, MONDO:0008818, OMIM 208050.

gnomAD v4.1: 10 of 1,614,046 alleles (0.00062%); highest among the groups gnomAD compares: Non-Finnish European, 0.00085%; no homozygotes.

Submission:

Labcorp Genetics (formerly Invitae), Labcorp
Classification: Uncertain significance for Arterial tortuosity syndrome. Last evaluated: 2024-03-28. Review status: criteria provided, single submitter. Criteria: Invitae Variant Classification Sherloc (09022015). Collection method: clinical testing. Allele origin: germline.
Comment: This sequence change replaces isoleucine, which is neutral and non-polar, with serine, which is neutral and polar, at codon 493 of the SLC2A10 protein (p.Ile493Ser). This variant is not present in population databases (gnomAD no frequency). This variant has not been reported in the literature in individuals affected with SLC2A10-related conditions. Advanced modeling of protein sequence and biophysical properties (such as structural, functional, and spatial information, amino acid conservation, physicochemical variation, residue mobility, and thermodynamic stability) has been performed at Invitae for this missense variant, however the output from this modeling did not meet the statistical confidence thresholds required to predict the impact of this variant on SLC2A10 protein function. In summary, the available evidence is currently insufficient to determine the role of this variant in disease. Therefore, it has been classified as a Variant of Uncertain Significance.